The following is an entry in ClinVar:

NM_032043.3(BRIP1):c.1390G>A (p.Ala464Thr)

Gene: BRIP1 (BRCA1 interacting DNA helicase 1; minus strand). Cytogenetic location: 17q23.2.
Variant type: single nucleotide variant.
Coding change: c.1390G>A on transcript NM_032043.3 (MANE Select); coding-DNA position 1390, G replaced by A.
Protein change: p.Ala464Thr; replaces alanine 464 with threonine.
Molecular consequence: missense variant.
Genome position (GRCh38, 1-based): chr17:61,793,680, C>T on the plus strand (G>A on the coding strand, the complement: BRIP1 is on the minus strand). VCF-style: chr17-61793680-C-T. GRCh37 (hg19) VCF-style: chr17-59871041-C-T.
Other names: short protein forms A464T.
Identifiers: ClinVar variation 4783544 (VCV004783544.1).

ClinVar aggregate classification (germline): Uncertain significance (1 of 4 stars; one submission).

Conditions:
Fanconi anemia complementation group J. Also called: BRIP1-Related Fanconi Anemia. Identifiers: Orphanet 84, MedGen C1836860, MONDO:0012187, OMIM 609054.
Familial cancer of breast. Also called: Hereditary breast cancer; hereditary breast carcinoma; BREAST CANCER, FAMILIAL. Identifiers: Orphanet 227535, MedGen C0346153, MONDO:0016419, OMIM 114480. Disease mechanism: loss of function.

Submission:

Labcorp Genetics (formerly Invitae), Labcorp
Classification: Uncertain significance for Familial cancer of breast; Fanconi anemia complementation group J. Last evaluated: 2025-12-24. Review status: criteria provided, single submitter. Criteria: Invitae Variant Classification Sherloc (09022015). Collection method: clinical testing. Allele origin: germline.
Comment: This sequence change replaces alanine, which is neutral and non-polar, with threonine, which is neutral and polar, at codon 464 of the BRIP1 protein (p.Ala464Thr). This variant is not present in population databases (gnomAD no frequency). This variant has not been reported in the literature in individuals affected with BRIP1-related conditions. Invitae Evidence Modeling of protein sequence and biophysical properties (such as structural, functional, and spatial information, amino acid conservation, physicochemical variation, residue mobility, and thermodynamic stability) indicates that this missense variant is not expected to disrupt BRIP1 protein function with a negative predictive value of 95%. In summary, the available evidence is currently insufficient to determine the role of this variant in disease. Therefore, it has been classified as a Variant of Uncertain Significance.